The following is an entry in ClinVar:

ClinVar aggregate classification (germline): Benign. Review status: reviewed by expert panel (3 of 4 stars). 11 submissions from 11 submitters: Benign (1). 10 of the submissions do not count toward it. Last evaluated 2022-05-13.

Conditions:
Nonsyndromic genetic hearing loss. Also called: Nonsyndromic hearing loss and deafness; Non-syndromic genetic deafness; Nonsyndromic genetic deafness. Identifiers: Orphanet 87884, MedGen C5680182, MONDO:0019497.
Autosomal recessive nonsyndromic hearing loss 9. Also called: Deafness, autosomal recessive 9; OTOF-Related Hearing Loss; AUDITORY NEUROPATHY, AUTOSOMAL RECESSIVE, 1, TEMPERATURE-SENSITIVE; NEUROSENSORY NONSYNDROMIC RECESSIVE DEAFNESS 9. Identifiers: Orphanet 90636, MedGen C1832828, MONDO:0010986, OMIM 601071.

Allele frequency attached by ClinVar (database versions not stated): TOPMed 0.00778; gnomAD 0.00781 and 0.00866; ESP Exome Variant Server 0.00815; gnomAD exomes 0.01213 and 0.01237; 1000 Genomes Project 0.01238; ExAC 0.01317; 1000 Genomes Project 30x 0.01390.
gnomAD v4.1: 19,372 of 1,613,016 alleles (1.2%); highest among the groups gnomAD compares: South Asian, 3.8%; 194 homozygotes.

Submissions (11):

ClinGen Hearing Loss Variant Curation Expert Panel
Classification: Benign for Nonsyndromic genetic hearing loss. Last evaluated: 2022-05-13. Review status: reviewed by expert panel. Criteria: clingen hl acmg specifications otof myo15a v1. Collection method: curation. Allele origin: germline. Inheritance: Autosomal recessive inheritance.
Comment: The filtering allele frequency (the lower threshold of the 95% CI of 1269/30610) of the c.1723G>A (p.Val575Met) variant in the OTOF gene is 3.95% for South Asian chromosome in gnomAD v2.1.1, which is a high enough frequency to be classified as benign based on thresholds defined by the ClinGen Hearing Loss Expert Panel for autosomal recessive hearing loss variants (BA1).

Labcorp Genetics (formerly Invitae), Labcorp
Classification: Benign. Last evaluated: 2026-02-04. Review status: criteria provided, single submitter. Criteria: Invitae Variant Classification Sherloc (09022015). Collection method: clinical testing. Allele origin: germline. Not counted in ClinVar's aggregate classification.

ARUP Laboratories, Molecular Genetics and Genomics, ARUP Laboratories
Classification: Benign. Last evaluated: 2022-09-12. Review status: criteria provided, single submitter. Criteria: ARUP Molecular Germline Variant Investigation Process 2021. Collection method: clinical testing. Allele origin: germline. Not counted in ClinVar's aggregate classification.

Mayo Clinic Laboratories, Mayo Clinic
Classification: Benign. Last evaluated: 2020-12-09. Review status: criteria provided, single submitter. Criteria: ACMG Guidelines, 2015. Collection method: clinical testing. Allele origin: germline. Observed: 4 variant alleles. Not counted in ClinVar's aggregate classification.

Athena Diagnostics
Classification: Benign. Last evaluated: 2019-02-13. Review status: criteria provided, single submitter. Criteria: Athena Diagnostics Criteria. Collection method: clinical testing. Allele origin: germline. Not counted in ClinVar's aggregate classification.

GeneDx
Classification: Benign. Last evaluated: 2017-10-26. Review status: criteria provided, single submitter. Criteria: GeneDx Variant Classification (06012015). Collection method: clinical testing. Allele origin: germline. Affected: yes. Not counted in ClinVar's aggregate classification.
Comment: This variant is considered likely benign or benign based on one or more of the following criteria: it is a conservative change, it occurs at a poorly conserved position in the protein, it is predicted to be benign by multiple in silico algorithms, and/or has population frequency not consistent with disease.

Illumina Laboratory Services, Illumina
Classification: Benign for Autosomal recessive nonsyndromic hearing loss 9. Last evaluated: 2017-04-27. Review status: criteria provided, single submitter. Criteria: ICSL Variant Classification Criteria 13 December 2019. Collection method: clinical testing. Allele origin: germline. Not counted in ClinVar's aggregate classification.
Comment: This variant was observed as part of a predisposition screen in an ostensibly healthy population. A literature search was performed for the gene, cDNA change, and amino acid change (where applicable). Publications were found based on this search. The evidence from the literature, in combination with allele frequency data from public databases where available, was sufficient to rule this variant out of causing disease. Therefore, this variant is classified as benign.

Laboratory for Molecular Medicine, Mass General Brigham Personalized Medicine
Classification: Benign. Last evaluated: 2011-01-09. Review status: criteria provided, single submitter. Criteria: LMM Criteria. Collection method: clinical testing. Allele origin: germline. Observed: 41 variant alleles. Not counted in ClinVar's aggregate classification.
Comment: Val575Met in exon 15 of OTOF: This variant is not expected to have clinical sign ificance because it has been reported as a neutral change (Varga 2006, Smith 200 8), is present in dbSNP (rs55676840 ? 4 entries), adn has been identified in our laboratory in ~3% of patients.

Breakthrough Genomics
Classification: Benign. Review status: criteria provided, single submitter. Criteria: ACMG Guidelines, 2015. Collection method: not provided. Allele origin: germline. Inheritance: Autosomal recessive inheritance. Affected: yes. Not counted in ClinVar's aggregate classification.

PreventionGenetics, part of Exact Sciences
Classification: Benign. Review status: criteria provided, single submitter. Criteria: ACMG Guidelines, 2015. Collection method: clinical testing. Allele origin: germline. Not counted in ClinVar's aggregate classification.

GeneReviews
No classification provided. Condition: Autosomal recessive nonsyndromic hearing loss 9. Review status: no classification provided. Collection method: literature only. Allele origin: unknown. Not counted in ClinVar's aggregate classification.

Literature cited by the submitters: PubMed 16371502 (cited by 3 submitters); PubMed 20301429 (cited by GeneReviews); NCBI Bookshelf NBK1251 (cited by GeneReviews).

NM_194248.3(OTOF):c.1723G>A (p.Val575Met)

Gene: OTOF (otoferlin; minus strand). Cytogenetic location: 2p23.3.
Variant type: single nucleotide variant.
Coding change: c.1723G>A on transcript NM_194248.3 (MANE Select); coding-DNA position 1723, G replaced by A.
Protein change: p.Val575Met; replaces valine 575 with methionine.
Molecular consequence: missense variant.
Genome position (GRCh38, 1-based): chr2:26,480,866, C>T on the plus strand (G>A on the coding strand, the complement: OTOF is on the minus strand). VCF-style: chr2-26480866-C-T. GRCh37 (hg19) VCF-style: chr2-26703734-C-T.
Other names: NM_194248.3(OTOF):c.1723G>A; c.1723G>A, p.Val575Met (NM_001287489.2); short protein forms V575M.
Identifiers: ClinVar variation 21826 (VCV000021826.33), dbSNP rs55676840, ClinGen allele CA142762.